The following is an entry in ClinVar:

ClinVar aggregate classification (germline): Uncertain significance (1 of 4 stars; one submission).

Conditions:
Retinoblastoma (RB1). Also called: RETINOBLASTOMA, SOMATIC. Identifiers: Orphanet 790, MedGen C0035335, MeSH D012175, MONDO:0008380, OMIM 180200, HP:0009919. Disease mechanism: loss of function. Inheritance: Both sporadic and heritable forms are tested..

Allele frequency attached by ClinVar (database versions not stated): gnomAD 0.00001.
gnomAD v4.1: 1 of 1,614,108 alleles (0.000062%); highest among the groups gnomAD compares: Non-Finnish European, 0.000085%; no homozygotes.

Submission:

Labcorp Genetics (formerly Invitae), Labcorp
Classification: Uncertain significance for Retinoblastoma. Last evaluated: 2022-01-04. Review status: criteria provided, single submitter. Criteria: Invitae Variant Classification Sherloc (09022015). Collection method: clinical testing. Allele origin: germline.
Comment: This sequence change replaces valine, which is neutral and non-polar, with alanine, which is neutral and non-polar, at codon 622 of the RB1 protein (p.Val622Ala). This variant is not present in population databases (gnomAD no frequency). This variant has not been reported in the literature in individuals affected with RB1-related conditions. Algorithms developed to predict the effect of missense changes on protein structure and function output the following: SIFT: "Tolerated"; PolyPhen-2: "Benign"; Align-GVGD: "Class C0". The alanine amino acid residue is found in multiple mammalian species, which suggests that this missense change does not adversely affect protein function. In summary, the available evidence is currently insufficient to determine the role of this variant in disease. Therefore, it has been classified as a Variant of Uncertain Significance.

NM_000321.3(RB1):c.1865T>C (p.Val622Ala)

Gene: RB1 (RB transcriptional corepressor 1; plus strand). Cytogenetic location: 13q14.2.
Variant type: single nucleotide variant.
Coding change: c.1865T>C on transcript NM_000321.3 (MANE Select); coding-DNA position 1865, T replaced by C.
Protein change: p.Val622Ala; replaces valine 622 with alanine.
Molecular consequence: missense variant.
Genome position (GRCh38, 1-based): chr13:48,456,254, T>C. VCF-style: chr13-48456254-T-C. GRCh37 (hg19) VCF-style: chr13-49030390-T-C.
Other names: c.1865T>C, p.Val622Ala (NM_001407165.1); short protein forms V622A.
Identifiers: ClinVar variation 2058289 (VCV002058289.4), dbSNP rs1555293837, ClinGen allele CA388165785.